The following is an entry in ClinVar:

ClinVar aggregate classification (germline): Uncertain significance. Review status: criteria provided, multiple submitters, no conflicts (2 of 4 stars). 6 submissions from 6 submitters: Uncertain significance (6). Last evaluated 2026-01-02.

Conditions:
WWOX-related disorder. Also called: WWOX-related condition.
Inborn genetic diseases. Identifiers: MedGen C0950123, MeSH D030342.
Autosomal recessive spinocerebellar ataxia 12. Also called: SPINOCEREBELLAR ATAXIA WITH MENTAL RETARDATION AND EPILEPSY. Identifiers: Orphanet 284282, MedGen C3280452, MONDO:0013687, OMIM 614322.
Developmental and epileptic encephalopathy, 1 (DEE1). Also called: X-linked infantile spasms; West's syndrome; Tonic spasms with clustering, arrest of psychomotor development and hypsarrhythmia on EEG; X-Linked Infantile Spasm Syndrome; OHTAHARA SYNDROME, X-LINKED; INFANTILE SPASM SYNDROME, X-LINKED 1. Identifiers: MedGen C3463992, MONDO:0010632, OMIM 308350. Disease mechanism: loss of function.

Allele frequency attached by ClinVar (database versions not stated): ESP Exome Variant Server 0.00049; TOPMed 0.00013; 1000 Genomes Project 0.00020; 1000 Genomes Project 30x 0.00031.
gnomAD v4.1: 527 of 1,614,200 alleles (0.033%); highest among the groups gnomAD compares: South Asian, 0.056%; no homozygotes.

Submissions (6):

PreventionGenetics, part of Exact Sciences
Classification: Uncertain significance for WWOX-related condition. Last evaluated: 2026-01-02. Review status: criteria provided, single submitter. Criteria: ACMG Guidelines, 2015. Collection method: clinical testing. Allele origin: germline.
Comment: The WWOX c.1204G>A variant is predicted to result in the amino acid substitution p.Glu402Lys. To our knowledge, this variant has not been reported in the literature. This variant is reported in 0.085% of alleles in individuals of South Asian descent in gnomAD. Although we suspect that this variant may be benign, at this time, the clinical significance of this variant is uncertain due to the absence of conclusive functional and genetic evidence.

GeneDx
Classification: Uncertain significance. Last evaluated: 2024-07-19. Review status: criteria provided, single submitter. Criteria: GeneDx Variant Classification Process June 2021. Collection method: clinical testing. Allele origin: germline. Affected: yes.
Comment: In silico analysis indicates that this missense variant does not alter protein structure/function; Has not been previously published as pathogenic or benign to our knowledge

Labcorp Genetics (formerly Invitae), Labcorp
Classification: Uncertain significance for Developmental and epileptic encephalopathy, 1; Autosomal recessive spinocerebellar ataxia 12. Last evaluated: 2022-09-27. Review status: criteria provided, single submitter. Criteria: Invitae Variant Classification Sherloc (09022015). Collection method: clinical testing. Allele origin: germline.
Comment: This sequence change replaces glutamic acid with lysine at codon 402 of the WWOX protein (p.Glu402Lys). The glutamic acid residue is weakly conserved and there is a small physicochemical difference between glutamic acid and lysine. This variant is present in population databases (rs200839945, gnomAD 0.08%). This variant has not been reported in the literature in individuals affected with WWOX-related conditions. ClinVar contains an entry for this variant (Variation ID: 449787). Advanced modeling of protein sequence and biophysical properties (such as structural, functional, and spatial information, amino acid conservation, physicochemical variation, residue mobility, and thermodynamic stability) performed at Invitae indicates that this missense variant is not expected to disrupt WWOX protein function. In summary, the available evidence is currently insufficient to determine the role of this variant in disease. Therefore, it has been classified as a Variant of Uncertain Significance.

Mayo Clinic Laboratories, Mayo Clinic
Classification: Uncertain significance. Last evaluated: 2021-12-02. Review status: criteria provided, single submitter. Criteria: ACMG Guidelines, 2015. Collection method: clinical testing. Allele origin: germline. Observed: 1 variant allele.
Comment: PM2

Ambry Genetics
Classification: Uncertain significance for Inborn genetic diseases. Last evaluated: 2021-06-07. Review status: criteria provided, single submitter. Criteria: Ambry Variant Classification Scheme 2023. Collection method: clinical testing. Allele origin: germline.

Revvity Omics, Revvity
Classification: Uncertain significance. Last evaluated: 2019-04-15. Review status: criteria provided, single submitter. Criteria: ACMG Guidelines, 2015. Collection method: clinical testing. Allele origin: germline.

NM_016373.4(WWOX):c.1204G>A (p.Glu402Lys)

Genes: MAF (MAF bZIP transcription factor; minus strand), WWOX (WW domain containing oxidoreductase; plus strand). Cytogenetic location: 16q23.2.
Variant type: single nucleotide variant.
Coding change: c.1204G>A on transcript NM_016373.4 (MANE Select); coding-DNA position 1204, G replaced by A.
Protein change: p.Glu402Lys; replaces glutamic acid 402 with lysine.
Molecular consequence: missense variant.
Genome position (GRCh38, 1-based): chr16:79,211,755, G>A. VCF-style: chr16-79211755-G-A. GRCh37 (hg19) VCF-style: chr16-79245652-G-A.
Other names: p.Glu402Lys; c.865G>A, p.Glu289Lys (NM_001291997.2); short protein forms E402K, E289K.
Identifiers: ClinVar variation 449787 (VCV000449787.15), dbSNP rs200839945, ClinGen allele CA8183792.